The following is an entry in ClinVar:

ClinVar aggregate classification (germline): Pathogenic (1 of 4 stars; one submission).

Submission:

Labcorp Genetics (formerly Invitae), Labcorp
Classification: Pathogenic. Last evaluated: 2024-03-26. Review status: criteria provided, single submitter. Criteria: Invitae Variant Classification Sherloc (09022015). Collection method: clinical testing. Allele origin: germline.
Comment: This sequence change creates a premature translational stop signal (p.Val53Serfs*2) in the ASNS gene. It is expected to result in an absent or disrupted protein product. Loss-of-function variants in ASNS are known to be pathogenic (PMID: 27422383, 30057589). This variant is not present in population databases (gnomAD no frequency). This variant has not been reported in the literature in individuals affected with ASNS-related conditions. Algorithms developed to predict the effect of sequence changes on RNA splicing suggest that this variant may disrupt the consensus splice site. For these reasons, this variant has been classified as Pathogenic.

Literature cited by the submitters: PubMed 27422383; PubMed 30057589.

NM_001673.5(ASNS):c.156dup (p.Val53fs)

Genes: ASNS (asparagine synthetase (glutamine-hydrolyzing); minus strand), CZ1P-ASNS (CZ1P-ASNS readthrough; minus strand). Cytogenetic location: 7q21.3.
Variant type: Duplication.
Coding change: c.156dup on transcript NM_001673.5 (MANE Select); coding-DNA position 156, one base duplicated (A; older notation c.156dupA).
Protein change: p.Val53fs; shifts the reading frame from valine 53.
Molecular consequence: frameshift variant. On other transcripts: non-coding transcript variant (1), intron variant (2).
Genome position (GRCh38, 1-based): chr7:97,869,001, T duplicated on the plus strand (A on the coding strand, the reverse complement: ASNS is on the minus strand). VCF-style (leftmost placement, unchanged base first): chr7-97869000-C-CT. GRCh37 (hg19) VCF-style: chr7-97498312-C-CT.
Other names: c.93dup, p.Val32fs (NM_001178075.2); c.156dup, p.Val53fs (NM_001352496.2, NM_133436.3, NM_183356.4); c.-1+3350dup (NM_001178076.2); c.-1+3040dup (NM_001178077.1); short protein forms V32fs, V53fs.
Identifiers: ClinVar variation 2704077 (VCV002704077.3), dbSNP rs2484698074, ClinGen allele CA2697557426.